The following is an entry in ClinVar:

ClinVar aggregate classification (germline): Uncertain significance (1 of 4 stars; one submission).

Submission:

Labcorp Genetics (formerly Invitae), Labcorp
Classification: Uncertain significance. Last evaluated: 2022-02-05. Review status: criteria provided, single submitter. Criteria: Invitae Variant Classification Sherloc (09022015). Collection method: clinical testing. Allele origin: germline.
Comment: This variant has not been reported in the literature in individuals affected with EFEMP1-related conditions. This variant is not present in population databases (gnomAD no frequency). This sequence change replaces valine, which is neutral and non-polar, with leucine, which is neutral and non-polar, at codon 213 of the EFEMP1 protein (p.Val213Leu). In summary, the available evidence is currently insufficient to determine the role of this variant in disease. Therefore, it has been classified as a Variant of Uncertain Significance. Algorithms developed to predict the effect of missense changes on protein structure and function are either unavailable or do not agree on the potential impact of this missense change (SIFT: "Deleterious"; PolyPhen-2: "Benign"; Align-GVGD: "Class C25").

NM_001039348.3(EFEMP1):c.637G>C (p.Val213Leu)

Gene: EFEMP1 (EGF-like fibulin extracellular matrix protein 1; minus strand). Cytogenetic location: 2p16.1.
Variant type: single nucleotide variant.
Coding change: c.637G>C on transcript NM_001039348.3 (MANE Select); coding-DNA position 637, G replaced by C.
Protein change: p.Val213Leu; replaces valine 213 with leucine.
Molecular consequence: missense variant.
Genome position (GRCh38, 1-based): chr2:55,881,615, C>G on the plus strand (G>C on the coding strand, the complement: EFEMP1 is on the minus strand). VCF-style: chr2-55881615-C-G. GRCh37 (hg19) VCF-style: chr2-56108750-C-G.
Other names: c.637G>C, p.Val213Leu (NM_001039349.3); short protein forms V213L.
Identifiers: ClinVar variation 1395388 (VCV001395388.8), dbSNP rs369629631, ClinGen allele CA347029437.